The following is an entry in ClinVar:

NM_000070.3(CAPN3):c.2440-10CTT[3]

Gene: CAPN3 (calpain 3; plus strand). Cytogenetic location: 15q15.1.
Variant type: Microsatellite.
Coding change: c.2440-10CTT[3] on transcript NM_000070.3 (MANE Select); three copies in a row of the 3-base unit CTT starting at c.2440-10; the reference has two copies in a row; one copy, 3 bases duplicated.
Molecular consequence: intron variant.
Genome position (GRCh38, 1-based): chr15:42,411,740-42,411,742, CTT duplicated; duplicating any 3 consecutive bases within chr15:42,411,737-42,411,742 gives the same sequence; the position shown is the placement nearest the transcript's 3' end. VCF-style (leftmost placement, unchanged base first): chr15-42411736-A-ACTT. GRCh37 (hg19) VCF-style: chr15-42703934-A-ACTT.
Other names: c.2422-10CTT[3] (NM_024344.2); c.2164-10CTT[3] (NM_173087.2); c.904-10CTT[3] (NM_173088.2); c.445-10CTT[3] (NM_173090.2, NM_173089.2); c.2440-7_2440-5dupCTT (NM_000070.2).
Identifiers: ClinVar variation 2056530 (VCV002056530.7), dbSNP rs765265492, ClinGen allele CA7511913.
Genomic context (GRCh38, chr15:42,411,736, plus strand): 5'-AGATTCCTAGGGCGGGGGGGGGGGGGGTCACTCTTTTCTGATCTACATTCTGATCTTGGG[A>ACTT]CTTCTTTCAGTGGCTGCAGCTCACCATGTATGCCTGAACCAGGCTGGCCTCATCCAAAGC-3'

ClinVar aggregate classification (germline): Benign/Likely benign. Review status: criteria provided, multiple submitters, no conflicts (2 of 4 stars). 3 submissions from 3 submitters: Benign (1); Likely benign (1). 1 of the submissions does not count toward it. Last evaluated 2026-01-11.

Conditions:
Autosomal recessive limb-girdle muscular dystrophy type 2A (LGMDR1). Also called: Muscular dystrophy, limb-girdle, type 2A, Amish; Calpainopathy; LEYDEN-MOEBIUS MUSCULAR DYSTROPHY; MUSCULAR DYSTROPHY, PELVOFEMORAL; Limb-girdle muscular dystrophy, type 2A. Identifiers: Orphanet 267, MedGen C1869123, MONDO:0009675, OMIM 253600. Disease mechanism: loss of function.
CAPN3-related disorder. Also called: CAPN3-related condition; CAPN3-related disorders. Identifiers: MedGen CN239245.

Submissions (3):

Labcorp Genetics (formerly Invitae), Labcorp
Classification: Benign for Autosomal recessive limb-girdle muscular dystrophy type 2A. Last evaluated: 2026-01-11. Review status: criteria provided, single submitter. Criteria: Invitae Variant Classification Sherloc (09022015). Collection method: clinical testing. Allele origin: germline.

Blueprint Genetics
Classification: Likely benign. Last evaluated: 2023-10-12. Review status: criteria provided, single submitter. Criteria: ACMG Guidelines, 2015. Collection method: clinical testing. Allele origin: germline.

PreventionGenetics, part of Exact Sciences
Classification: Likely benign for CAPN3-related condition. Last evaluated: 2019-06-24. Review status: no assertion criteria provided. Collection method: clinical testing. Allele origin: germline. Not counted in ClinVar's aggregate classification.
Comment: This variant is classified as likely benign based on ACMG/AMP sequence variant interpretation guidelines (Richards et al. 2015 PMID: 25741868, with internal and published modifications).